The following is an entry in ClinVar:

NM_004522.3(KIF5C):c.252G>A (p.Ala84=)

Gene: KIF5C (kinesin family member 5C; plus strand). Cytogenetic location: 2q23.1.
Variant type: single nucleotide variant.
Coding change: c.252G>A on transcript NM_004522.3 (MANE Select); coding-DNA position 252, G replaced by A.
Protein change: p.Ala84=; no amino-acid change (alanine 84 retained).
Molecular consequence: synonymous variant.
Genome position (GRCh38, 1-based): chr2:148,929,315, G>A. VCF-style: chr2-148929315-G-A. GRCh37 (hg19) VCF-style: chr2-149686884-G-A.
Identifiers: ClinVar variation 3351193 (VCV003351193.1).

ClinVar aggregate classification (germline): Likely benign (0 of 4 stars; one submission).

Conditions:
KIF5C-related disorder. Also called: KIF5C-related condition.

gnomAD v4.1: 33 of 1,536,238 alleles (0.0021%); highest among the groups gnomAD compares: African/African-American, 0.0055%; no homozygotes.

Submission:

PreventionGenetics, part of Exact Sciences
Classification: Likely benign for KIF5C-related condition. Last evaluated: 2019-07-12. Review status: no assertion criteria provided. Collection method: clinical testing. Allele origin: germline.
Comment: This variant is classified as likely benign based on ACMG/AMP sequence variant interpretation guidelines (Richards et al. 2015 PMID: 25741868, with internal and published modifications).